The following is an entry in ClinVar:

NM_005989.4(AKR1D1):c.329A>C (p.Gln110Pro)

Gene: AKR1D1 (aldo-keto reductase family 1 member D1; plus strand). Cytogenetic location: 7q33.
Variant type: single nucleotide variant.
Coding change: c.329A>C on transcript NM_005989.4 (MANE Select); coding-DNA position 329, A replaced by C.
Protein change: p.Gln110Pro; replaces glutamine 110 with proline.
Molecular consequence: missense variant.
Genome position (GRCh38, 1-based): chr7:138,091,835, A>C. VCF-style: chr7-138091835-A-C. GRCh37 (hg19) VCF-style: chr7-137776581-A-C.
Other names: c.329A>C, p.Gln110Pro (NM_001190906.2, NM_001190907.2); c.329A>C (NM_005989.3); short protein forms Q110P.
Identifiers: ClinVar variation 596853 (VCV000596853.8), dbSNP rs1268021700, ClinGen allele CA369359320.

ClinVar aggregate classification (germline): Uncertain significance. Review status: criteria provided, multiple submitters, no conflicts (2 of 4 stars). 3 submissions from 3 submitters: Uncertain significance (3). Last evaluated 2026-08-23.

Conditions:
AKR1D1-related disorder. Also called: AKR1D1-related condition.
Inborn genetic diseases. Identifiers: MedGen C0950123, MeSH D030342.

Allele frequency attached by ClinVar (database versions not stated): TOPMed below 0.00001; gnomAD 0.00001.
gnomAD v4.1: 8 of 1,614,032 alleles (0.0005%); highest among the groups gnomAD compares: Non-Finnish European, 0.00059%; no homozygotes.

Submissions (3):

PreventionGenetics, part of Exact Sciences
Classification: Uncertain significance for AKR1D1-related condition. Last evaluated: 2026-08-23. Review status: criteria provided, single submitter. Criteria: ACMG Guidelines, 2015. Collection method: clinical testing. Allele origin: germline.
Comment: The AKR1D1 c.329A>C variant is predicted to result in the amino acid substitution p.Gln110Pro. To our knowledge, this variant has not been reported in the literature or in a large population database (gnomAD), indicating this variant is rare. At this time, the clinical significance of this variant is uncertain due to the absence of conclusive functional and genetic evidence.

Ambry Genetics
Classification: Uncertain significance for Inborn genetic diseases. Last evaluated: 2021-08-13. Review status: criteria provided, single submitter. Criteria: Ambry Variant Classification Scheme 2023. Collection method: clinical testing. Allele origin: germline.

Eurofins Ntd Llc (ga)
Classification: Uncertain significance. Last evaluated: 2018-04-12. Review status: criteria provided, single submitter. Criteria: EGL ClinVar v180209 classification definitions. Collection method: clinical testing. Allele origin: germline. Observed: 1 variant allele, 1 heterozygote.